The following is an entry in ClinVar:

ClinVar aggregate classification (germline): Conflicting classifications of pathogenicity. Review status: criteria provided, conflicting classifications (1 of 4 stars). 2 submissions from 2 submitters: Uncertain significance (1); Likely benign (1). Last evaluated 2026-01-06.

Conditions:
TSPEAR-related disorder. Also called: TSPEAR-related condition.
Inborn genetic diseases. Identifiers: MedGen C0950123, MeSH D030342.

Allele frequency attached by ClinVar (database versions not stated): ExAC 0.00020; gnomAD exomes 0.00020; 1000 Genomes Project 30x 0.00031; 1000 Genomes Project 0.00040.
gnomAD v4.1: 292 of 1,609,706 alleles (0.018%); highest among the groups gnomAD compares: East Asian, 0.63%; 3 homozygotes.

Submissions (2):

PreventionGenetics, part of Exact Sciences
Classification: Likely benign for TSPEAR-related condition. Last evaluated: 2026-01-06. Review status: criteria provided, single submitter. Criteria: ACMG Guidelines, 2015. Collection method: clinical testing. Allele origin: germline.
Comment: This variant is classified as likely benign based on ACMG/AMP sequence variant interpretation guidelines (Richards et al. 2015 PMID: 25741868, with internal and published modifications).

Ambry Genetics
Classification: Uncertain significance for Inborn genetic diseases. Last evaluated: 2022-01-18. Review status: criteria provided, single submitter. Criteria: Ambry Variant Classification Scheme 2023. Collection method: clinical testing. Allele origin: germline.

NM_144991.3(TSPEAR):c.236A>C (p.Gln79Pro)

Gene: TSPEAR (thrombospondin type laminin G domain and EAR repeats; minus strand). Cytogenetic location: 21q22.3.
Variant type: single nucleotide variant.
Coding change: c.236A>C on transcript NM_144991.3 (MANE Select); coding-DNA position 236, A replaced by C.
Protein change: p.Gln79Pro; replaces glutamine 79 with proline.
Molecular consequence: missense variant.
Genome position (GRCh38, 1-based): chr21:44,567,852, T>G on the plus strand (A>C on the coding strand, the complement: TSPEAR is on the minus strand). VCF-style: chr21-44567852-T-G. GRCh37 (hg19) VCF-style: chr21-45987736-T-G.
Other names: c.32A>C, p.Gln11Pro (NM_001272037.2); short protein forms Q79P, Q11P.
Identifiers: ClinVar variation 2345643 (VCV002345643.3), dbSNP rs143595111, ClinGen allele CA10058059.